The following is an entry in ClinVar:

ClinVar aggregate classification (germline): Uncertain significance. Review status: criteria provided, multiple submitters, no conflicts (2 of 4 stars). 2 submissions from 2 submitters: Uncertain significance (2). Last evaluated 2024-05-08.

Allele frequency attached by ClinVar (database versions not stated): gnomAD exomes below 0.00001; ExAC 0.00001; gnomAD 0.00002 and 0.00003; TOPMed 0.00003; ESP Exome Variant Server 0.00008.
gnomAD v4.1: 9 of 1,613,790 alleles (0.00056%); highest among the groups gnomAD compares: Non-Finnish European, 0.00076%; no homozygotes.

Submissions (2):

GeneDx
Classification: Uncertain significance. Last evaluated: 2024-05-08. Review status: criteria provided, single submitter. Criteria: GeneDx Variant Classification Process June 2021. Collection method: clinical testing. Allele origin: germline. Affected: yes.
Comment: Not observed at significant frequency in large population cohorts (gnomAD); In silico analysis supports that this missense variant has a deleterious effect on protein structure/function; Has not been previously published as pathogenic or benign to our knowledge

Labcorp Genetics (formerly Invitae), Labcorp
Classification: Uncertain significance. Last evaluated: 2022-10-13. Review status: criteria provided, single submitter. Criteria: Invitae Variant Classification Sherloc (09022015). Collection method: clinical testing. Allele origin: germline.
Comment: This sequence change replaces serine, which is neutral and polar, with isoleucine, which is neutral and non-polar, at codon 268 of the ADGRV1 protein (p.Ser268Ile). This variant is present in population databases (rs371910473, gnomAD 0.002%). This variant has not been reported in the literature in individuals affected with ADGRV1-related conditions. ClinVar contains an entry for this variant (Variation ID: 1521109). Advanced modeling of protein sequence and biophysical properties (such as structural, functional, and spatial information, amino acid conservation, physicochemical variation, residue mobility, and thermodynamic stability) performed at Invitae indicates that this missense variant is not expected to disrupt ADGRV1 protein function. In summary, the available evidence is currently insufficient to determine the role of this variant in disease. Therefore, it has been classified as a Variant of Uncertain Significance.

NM_032119.4(ADGRV1):c.803G>T (p.Ser268Ile)

Gene: ADGRV1 (adhesion G protein-coupled receptor V1; plus strand). Cytogenetic location: 5q14.3.
Variant type: single nucleotide variant.
Coding change: c.803G>T on transcript NM_032119.4 (MANE Select); coding-DNA position 803, G replaced by T.
Protein change: p.Ser268Ile; replaces serine 268 with isoleucine.
Molecular consequence: missense variant. On other transcripts: non-coding transcript variant (1).
Genome position (GRCh38, 1-based): chr5:90,627,341, G>T. VCF-style: chr5-90627341-G-T. GRCh37 (hg19) VCF-style: chr5-89923158-G-T.
Other names: c.803G>T (NM_032119.3); short protein forms S268I.
Identifiers: ClinVar variation 1521109 (VCV001521109.4), dbSNP rs371910473, ClinGen allele CA3338567.